The following is an entry in ClinVar:

NM_005732.4(RAD50):c.2280C>G (p.Asp760Glu)

Gene: RAD50 (RAD50 double strand break repair protein; plus strand). Cytogenetic location: 5q31.1.
Variant type: single nucleotide variant.
Coding change: c.2280C>G on transcript NM_005732.4 (MANE Select); coding-DNA position 2280, C replaced by G.
Protein change: p.Asp760Glu; replaces aspartic acid 760 with glutamic acid.
Molecular consequence: missense variant.
Genome position (GRCh38, 1-based): chr5:132,603,372, C>G. VCF-style: chr5-132603372-C-G. GRCh37 (hg19) VCF-style: chr5-131939064-C-G.
Other names: short protein forms D760E.
Identifiers: ClinVar variation 2451429 (VCV002451429.2), dbSNP rs1750921861, ClinGen allele CA360954285.

ClinVar aggregate classification (germline): Uncertain significance (1 of 4 stars; one submission).

Conditions:
Hereditary cancer-predisposing syndrome. Also called: Neoplastic Syndromes, Hereditary; Tumor predisposition; Hereditary neoplastic syndrome; Hereditary Cancer Syndrome. Identifiers: Orphanet 140162, MedGen C0027672, MeSH D009386, MONDO:0015356.

Submission:

Ambry Genetics
Classification: Uncertain significance for Hereditary cancer-predisposing syndrome. Last evaluated: 2023-02-12. Review status: criteria provided, single submitter. Criteria: Ambry Variant Classification Scheme 2023. Collection method: clinical testing. Allele origin: germline.
Comment: The p.D760E variant (also known as c.2280C>G), located in coding exon 14 of the RAD50 gene, results from a C to G substitution at nucleotide position 2280. The aspartic acid at codon 760 is replaced by glutamic acid, an amino acid with highly similar properties. This amino acid position is conserved. In addition, this alteration is predicted to be tolerated by in silico analysis. Since supporting evidence is limited at this time, the clinical significance of this alteration remains unclear.